The following is an entry in ClinVar:

ClinVar aggregate classification (germline): Uncertain significance. Review status: criteria provided, multiple submitters, no conflicts (2 of 4 stars). 2 submissions from 2 submitters: Uncertain significance (2). Last evaluated 2023-10-05.

Conditions:
Inborn genetic diseases. Identifiers: MedGen C0950123, MeSH D030342.

Allele frequency attached by ClinVar (database versions not stated): ExAC 0.00001; gnomAD exomes 0.00001.

Submissions (2):

Women's Health and Genetics/Laboratory Corporation of America, LabCorp
Classification: Uncertain significance. Last evaluated: 2023-10-05. Review status: criteria provided, single submitter. Criteria: LabCorp Variant Classification Summary - May 2015. Collection method: clinical testing. Allele origin: germline.
Comment: Variant summary: TRAF7 c.946C>T (p.Arg316Cys) results in a non-conservative amino acid change in the encoded protein sequence. Three of five in-silico tools predict a damaging effect of the variant on protein function. The variant allele was found at a frequency of 2e-05 in 250972 control chromosomes (gnomAD). The available data on variant occurrences in the general population are insufficient to allow any conclusion about variant significance. To our knowledge, no occurrence of c.946C>T in individuals affected with Cardiac, Facial, And Digital Anomalies With Developmental Delay and no experimental evidence demonstrating its impact on protein function have been reported. One submitter has cited a clinical-significance assessments for this variant to ClinVar after 2014 and has classified the variant as uncertain significance. Based on the evidence outlined above, the variant was classified as uncertain significance.

Ambry Genetics
Classification: Uncertain significance for Inborn genetic diseases. Last evaluated: 2022-05-06. Review status: criteria provided, single submitter. Criteria: Ambry Variant Classification Scheme 2023. Collection method: clinical testing. Allele origin: germline.

NM_032271.3(TRAF7):c.946C>T (p.Arg316Cys)

Gene: TRAF7 (TNF receptor associated factor 7; plus strand). Cytogenetic location: 16p13.3.
Variant type: single nucleotide variant.
Coding change: c.946C>T on transcript NM_032271.3 (MANE Select); coding-DNA position 946, C replaced by T.
Protein change: p.Arg316Cys; replaces arginine 316 with cysteine.
Molecular consequence: missense variant.
Genome position (GRCh38, 1-based): chr16:2,173,333, C>T. VCF-style: chr16-2173333-C-T. GRCh37 (hg19) VCF-style: chr16-2223334-C-T.
Other names: short protein forms R316C.
Identifiers: ClinVar variation 2373988 (VCV002373988.3), dbSNP rs757410464, ClinGen allele CA7834766.
Genomic context (GRCh38, chr16:2,173,333, plus strand): 5'-GACCGCTTCCACGAGATGCACGTGGCTCTGGCCCAGAAGGACCAGGAGATCGCCTTCCTG[C>T]GCTCCATGCTGGGAAAGCTCTCGGAGAAGATCGACCAGCTAGAGAAGAGCCTGGAGCTCA-3'
Protein context (NP_115647.2, residues 306-326): AQKDQEIAFL[Arg316Cys]SMLGKLSEKI